The following is an entry in ClinVar:

ClinVar aggregate classification (germline): Uncertain significance. Review status: criteria provided, multiple submitters, no conflicts (2 of 4 stars). 2 submissions from 2 submitters: Uncertain significance (2). Last evaluated 2024-06-05.

Conditions:
MEGF8-related Carpenter syndrome. Also called: Carpenter syndrome 2. Identifiers: Orphanet 65759, MedGen C3554247, MONDO:0013998, OMIM 614976.
Inborn genetic diseases. Identifiers: MedGen C0950123, MeSH D030342.

Allele frequency attached by ClinVar (database versions not stated): gnomAD exomes 0.00002 and 0.00004; ExAC 0.00003; gnomAD 0.00004; TOPMed 0.00007; ESP Exome Variant Server 0.00015.
gnomAD v4.1: 34 of 1,612,400 alleles (0.0021%); highest among the groups gnomAD compares: African/African-American, 0.021%; no homozygotes.

Submissions (2):

Ambry Genetics
Classification: Uncertain significance for Inborn genetic diseases. Last evaluated: 2024-06-05. Review status: criteria provided, single submitter. Criteria: Ambry Variant Classification Scheme 2023. Collection method: clinical testing. Allele origin: germline.

Labcorp Genetics (formerly Invitae), Labcorp
Classification: Uncertain significance for MEGF8-related Carpenter syndrome. Last evaluated: 2021-10-06. Review status: criteria provided, single submitter. Criteria: Invitae Variant Classification Sherloc (09022015). Collection method: clinical testing. Allele origin: germline.
Comment: In summary, the available evidence is currently insufficient to determine the role of this variant in disease. Therefore, it has been classified as a Variant of Uncertain Significance. Algorithms developed to predict the effect of missense changes on protein structure and function are either unavailable or do not agree on the potential impact of this missense change (SIFT: "Tolerated"; PolyPhen-2: "Possibly Damaging"; Align-GVGD: "Class C0"). This variant has not been reported in the literature in individuals affected with MEGF8-related conditions. This variant is present in population databases (rs370225382, ExAC 0.02%). This sequence change replaces threonine with methionine at codon 2184 of the MEGF8 protein (p.Thr2184Met). The threonine residue is moderately conserved and there is a moderate physicochemical difference between threonine and methionine.

NM_001271938.2(MEGF8):c.6752C>T (p.Thr2251Met)

Gene: MEGF8 (multiple EGF like domains 8; plus strand). Cytogenetic location: 19q13.2.
Variant type: single nucleotide variant.
Coding change: c.6752C>T on transcript NM_001271938.2 (MANE Select); coding-DNA position 6752, C replaced by T.
Protein change: p.Thr2251Met; replaces threonine 2251 with methionine.
Molecular consequence: missense variant.
Genome position (GRCh38, 1-based): chr19:42,369,641, C>T. VCF-style: chr19-42369641-C-T. GRCh37 (hg19) VCF-style: chr19-42873793-C-T.
Other names: c.6551C>T (NM_001410.2); c.6551C>T, p.Thr2184Met (NM_001410.3); short protein forms T2184M, T2251M.
Identifiers: ClinVar variation 1410929 (VCV001410929.5), dbSNP rs370225382, ClinGen allele CA9475969.
Genomic context (GRCh38, chr19:42,369,641, plus strand): 5'-CATGTGTGGAGCCCGACCACTGCCGCTGCCACTTTGGCTTTGTGGGCCGCAACTGCTCCA[C>T]GGAATGCCGCTGCAACCGCCACAGTGAATGCGCTGGTGTTGGGGCGCGTGACCACTGCTT-3'
Protein context (NP_001258867.1, residues 2241-2261): HFGFVGRNCS[Thr2251Met]ECRCNRHSEC